The following is an entry in ClinVar:

ClinVar aggregate classification (germline): Conflicting classifications of pathogenicity. Review status: criteria provided, conflicting classifications (1 of 4 stars). 11 submissions from 11 submitters: Uncertain significance (9); Likely benign (1). 1 of the submissions does not count toward it. Last evaluated 2026-05-21.

Conditions:
Hereditary cancer-predisposing syndrome. Also called: Neoplastic Syndromes, Hereditary; Hereditary Cancer Syndrome; Tumor predisposition; Hereditary neoplastic syndrome. Identifiers: Orphanet 140162, MedGen C0027672, MeSH D009386, MONDO:0015356.
Familial cancer of breast. Also called: Hereditary breast cancer; hereditary breast carcinoma; BREAST CANCER, FAMILIAL. Identifiers: Orphanet 227535, MedGen C0346153, MONDO:0016419, OMIM 114480. Disease mechanism: loss of function.
Pancreatic cancer, susceptibility to, 3. Identifiers: Orphanet 1333, MedGen C3150547, MONDO:0013236, OMIM 613348.
Fanconi anemia complementation group N. Also called: PALB2-Related Fanconi Anemia. Identifiers: Orphanet 84, MedGen C1835817, MONDO:0012565, OMIM 610832. Disease mechanism: loss of function.

Allele frequency attached by ClinVar (database versions not stated): TOPMed 0.00004.
gnomAD v4.1: 51 of 1,613,602 alleles (0.0032%); highest among the groups gnomAD compares: African/African-American, 0.0027%; no homozygotes.

Submissions (11):

Myriad Genetics, Inc.
Classification: Likely benign for Familial cancer of breast. Last evaluated: 2026-05-21. Review status: criteria provided, single submitter. Criteria: Myriad Autosomal Dominant, Autosomal Recessive and X-Linked Classification Criteria (2023). Collection method: clinical testing. Allele origin: unknown.
Comment: This variant is considered likely benign. This variant is strongly associated with less severe personal and family histories of cancer, typical for individuals without pathogenic variants in this gene [PMID: 25085752].

Labcorp Genetics (formerly Invitae), Labcorp
Classification: Uncertain significance for Familial cancer of breast. Last evaluated: 2026-01-28. Review status: criteria provided, single submitter. Criteria: Invitae Variant Classification Sherloc (09022015). Collection method: clinical testing. Allele origin: germline.
Comment: This sequence change replaces arginine, which is basic and polar, with histidine, which is basic and polar, at codon 34 of the PALB2 protein (p.Arg34His). This variant is present in population databases (rs144944814, gnomAD 0.05%). This missense change has been observed in individual(s) with breast cancer (PMID: 30306255, 31636395, 35264596, 35534704). ClinVar contains an entry for this variant (Variation ID: 141256). An algorithm developed to predict the effect of missense changes on protein structure and function (PolyPhen-2) suggests that this variant is likely to be disruptive. Experimental studies have shown that this missense change does not substantially affect PALB2 function (PMID: 31636395). In summary, the available evidence is currently insufficient to determine the role of this variant in disease. Therefore, it has been classified as a Variant of Uncertain Significance.

Color Diagnostics, LLC DBA Color Health
Classification: Uncertain significance for Hereditary cancer-predisposing syndrome. Last evaluated: 2025-05-27. Review status: criteria provided, single submitter. Criteria: ACMG Guidelines, 2015. Collection method: clinical testing. Allele origin: germline.
Comment: This missense variant replaces arginine with histidine at codon 34 of the PALB2 protein. Computational prediction suggests that this variant may not impact protein structure and function. A functional study has reported that this variant does not impact PALB2 function in a homology-directed DNA repair assay (PMID: 31636395). In a breast cancer case-control meta-analysis, this variant has been reported in 4/60466 cases and 1/53461 unaffected individuals (PMID: 33471991Leiden Open Variation Database DB-ID DCTN5_000009). This variant has been observed in an individual affected with familial breast or ovarian cancer (PMID: 30982232) and in an individual affected with breast cancer who also has a deleterious RBBP8 variant (PMID: 30306255). This variant has also been identified in 16/282888 chromosomes in the general population by the Genome Aggregation Database (gnomAD). It occurs at an elevated frequency in the Finnish European population in the gnomAD (13/25124 chromosomes0.0517%). The available evidence is insufficient to determine the role of this variant in disease conclusively. Therefore, this variant is classified as a Variant of Uncertain Significance.

Baylor Genetics
Classification: Uncertain significance for Familial cancer of breast. Last evaluated: 2024-03-25. Review status: criteria provided, single submitter. Criteria: ACMG Guidelines, 2015. Collection method: clinical testing. Allele origin: unknown.

Ambry Genetics
Classification: Uncertain significance for Hereditary cancer-predisposing syndrome. Last evaluated: 2023-12-26. Review status: criteria provided, single submitter. Criteria: Ambry Variant Classification Scheme 2023. Collection method: clinical testing. Allele origin: germline.
Comment: The p.R34H variant (also known as c.101G>A), located in coding exon 2 of the PALB2 gene, results from a G to A substitution at nucleotide position 101. The arginine at codon 34 is replaced by histidine, an amino acid with highly similar properties. This alteration has been reported in breast and/or ovarian cancer patients (Bonache S et al. J Cancer Res Clin Oncol, 2018 Dec;144:2495-2513; Wang J et al. Cancer Med, 2019 05;8:2074-2084). This alteration was found to be functionally normal in a homology-directed DNA repair (HDR) assay (Wiltshire T et al. Genet Med, 2020 03;22:622-632). This amino acid position is highly conserved in available vertebrate species. In addition, this alteration is predicted to be tolerated by in silico analysis. Since supporting evidence is limited at this time, the clinical significance of this alteration remains unclear.

Blueprint Genetics
Classification: Uncertain significance. Last evaluated: 2023-03-22. Review status: criteria provided, single submitter. Criteria: ACMG Guidelines, 2015. Collection method: clinical testing. Allele origin: germline.

Fulgent Genetics
Classification: Uncertain significance for Familial cancer of breast; Fanconi anemia complementation group N; Pancreatic cancer, susceptibility to, 3. Last evaluated: 2021-11-29. Review status: criteria provided, single submitter. Criteria: ACMG Guidelines, 2015. Collection method: clinical testing. Allele origin: unknown.

Women's Health and Genetics/Laboratory Corporation of America, LabCorp
Classification: Uncertain significance. Last evaluated: 2019-06-20. Review status: criteria provided, single submitter. Criteria: LabCorp Variant Classification Summary - May 2015. Collection method: clinical testing. Allele origin: germline.
Comment: Variant summary: PALB2 c.101G>A (p.Arg34His) results in a non-conservative amino acid change in the encoded protein sequence. Three of five in-silico tools predict a damaging effect of the variant on protein function. The variant allele was found at a frequency of 6e-05 in 251484 control chromosomes. This frequency is not higher than expected for a pathogenic variant in PALB2 causing Hereditary Breast and Ovarian Cancer (6e-05 vs 0.00016), allowing no conclusion about variant significance. c.101G>A has been reported in the literature in individuals with personal or family history of Hereditary Breast and Ovarian Cancer (Bonache_2018, Wang_2019). These reports do not provide unequivocal conclusions about association of the variant with Hereditary Breast and Ovarian Cancer. A co-occurrence with a pathogenic variant has been reported (BRIP1 c.1315C>T, p.Arg439Ter; Wang_2019), providing supporting evidence for a benign role. To our knowledge, no experimental evidence demonstrating an impact on protein function has been reported. Four ClinVar submitters (evaluation after 2014) cite the variant as uncertain significance. Based on the evidence outlined above, the variant was classified as uncertain significance.

Mendelics
Classification: Uncertain significance for Familial cancer of breast. Last evaluated: 2019-05-28. Review status: criteria provided, single submitter. Criteria: Mendelics Assertion Criteria 2017. Collection method: clinical testing. Allele origin: unknown.

Illumina Laboratory Services, Illumina
Classification: Uncertain significance for Fanconi anemia complementation group N. Last evaluated: 2018-01-12. Review status: criteria provided, single submitter. Criteria: ICSL Variant Classification Criteria 13 December 2019. Collection method: clinical testing. Allele origin: germline.

Clinical Genetics DNA and cytogenetics Diagnostics Lab, Erasmus MC, Erasmus Medical Center
Classification: Uncertain significance. Review status: no assertion criteria provided. Collection method: clinical testing. Allele origin: germline. Affected: yes. Study: VKGL Data-share Consensus. Not counted in ClinVar's aggregate classification.

Literature cited by the submitters: PubMed 25085752 (cited by Myriad Genetics, Inc.); PubMed 30306255 (cited by 4 submitters); PubMed 31636395 (cited by 3 submitters); PubMed 35264596 (cited by Labcorp Genetics (formerly Invitae), Labcorp); PubMed 35534704 (cited by Labcorp Genetics (formerly Invitae), Labcorp); PubMed 30982232 (cited by 3 submitters); PubMed 33471991 (cited by Color Diagnostics, LLC DBA Color Health).

NM_024675.4(PALB2):c.101G>A (p.Arg34His)

Gene: PALB2 (partner and localizer of BRCA2; minus strand). Cytogenetic location: 16p12.2.
Variant type: single nucleotide variant.
Coding change: c.101G>A on transcript NM_024675.4 (MANE Select); coding-DNA position 101, G replaced by A.
Protein change: p.Arg34His; replaces arginine 34 with histidine.
Molecular consequence: missense variant.
Genome position (GRCh38, 1-based): chr16:23,638,077, C>T on the plus strand (G>A on the coding strand, the complement: PALB2 is on the minus strand). VCF-style: chr16-23638077-C-T. GRCh37 (hg19) VCF-style: chr16-23649398-C-T.
Other names: short protein forms R34H.
Identifiers: ClinVar variation 141256 (VCV000141256.36), dbSNP rs144944814, ClinGen allele CA164933.